The following is an entry in ClinVar:

ClinVar aggregate classification (germline): Uncertain significance (1 of 4 stars; one submission).

Conditions:
Cardiomyopathy (CMYO). Also called: Cardiomyopathies. Identifiers: Orphanet 167848, MedGen C0878544, MONDO:0004994, HP:0001638. Inheritance: Various modes of inheritance.

Submission:

Color Diagnostics, LLC DBA Color Health
Classification: Uncertain significance for Cardiomyopathy. Last evaluated: 2023-12-05. Review status: criteria provided, single submitter. Criteria: ACMG Guidelines, 2015. Collection method: clinical testing. Allele origin: germline.
Comment: This missense variant replaces lysine with arginine at codon 1209 of the DSP protein. Computational prediction tools and conservation analyses are inconclusive regarding the impact of this variant on the protein function. Computational splicing tools suggest that this variant may impact RNA splicing by activating a cryptic splice donor site. To our knowledge, functional assays have not been performed for this variant nor has this variant been reported in individuals affected with cardiovascular disorders in the literature. This variant has not been identified in the general population by the Genome Aggregation Database (gnomAD). Available evidence is insufficient to determine the role of this variant in disease conclusively. Therefore, this variant is classified as a Variant of Uncertain Significance.

NM_004415.4(DSP):c.3626A>G (p.Lys1209Arg)

Gene: DSP (desmoplakin; plus strand). Cytogenetic location: 6p24.3.
Variant type: single nucleotide variant.
Coding change: c.3626A>G on transcript NM_004415.4 (MANE Select); coding-DNA position 3626, A replaced by G.
Protein change: p.Lys1209Arg; replaces lysine 1209 with arginine.
Molecular consequence: missense variant. On other transcripts: intron variant (1).
Genome position (GRCh38, 1-based): chr6:7,579,816, A>G. VCF-style: chr6-7579816-A-G. GRCh37 (hg19) VCF-style: chr6-7580049-A-G.
Other names: c.3626A>G, p.Lys1209Arg (NM_001319034.2); c.3582+44A>G (NM_001008844.3); short protein forms K1209R.
Identifiers: ClinVar variation 926130 (VCV000926130.5), dbSNP rs1759361771, ClinGen allele CA362684496.
Genomic context (GRCh38, chr6:7,579,816, plus strand): 5'-AAAATGAGCTGGCAAAGGTAAGAAACCACTATAATGAGGAGATGAGTAATTTAAGGAACA[A>G]GTATGAAACAGAGATTAACATTACGAAGACCACCATCAAGGAGATATCCATGCAAAAAGA-3'
Protein context (NP_004406.2, residues 1199-1219): YNEEMSNLRN[Lys1209Arg]YETEINITKT